The following is an entry in ClinVar:

ClinVar aggregate classification (germline): Uncertain significance. Review status: criteria provided, multiple submitters, no conflicts (2 of 4 stars). 4 submissions from 4 submitters: Uncertain significance (4). Last evaluated 2025-08-09.

Conditions:
Charcot-Marie-Tooth disease axonal type 2U. Also called: CHARCOT-MARIE-TOOTH NEUROPATHY, TYPE 2U; CHARCOT-MARIE-TOOTH DISEASE, AXONAL, AUTOSOMAL DOMINANT, TYPE 2U. Identifiers: Orphanet 397735, MedGen C4084821, MONDO:0014566, OMIM 616280.
Severe early-onset pulmonary alveolar proteinosis due to MARS deficiency. Also called: PULMONARY ALVEOLAR PROTEINOSIS, REUNION ISLAND; Interstitial lung and liver disease. Identifiers: Orphanet 440427, MedGen C4225400, MONDO:0014206, OMIM 615486.
Charcot-Marie-Tooth disease. Also called: Charcot-Marie-Tooth Hereditary Neuropathy; Charcot-Marie-Tooth Neuropathy. Identifiers: Orphanet 166, MedGen C0007959, MONDO:0015626.

Allele frequency attached by ClinVar (database versions not stated): gnomAD exomes below 0.00001 and 0.00001; TOPMed 0.00001; ExAC 0.00002.
gnomAD v4.1: 5 of 1,614,186 alleles (0.00031%); highest among the groups gnomAD compares: Non-Finnish European, 0.00025%; no homozygotes.

Submissions (4):

Ambry Genetics
Classification: Uncertain significance. Last evaluated: 2025-08-09. Review status: criteria provided, single submitter. Criteria: Ambry Variant Classification Scheme 2023. Collection method: clinical testing. Allele origin: germline.

Labcorp Genetics (formerly Invitae), Labcorp
Classification: Uncertain significance for Charcot-Marie-Tooth disease axonal type 2U; Severe early-onset pulmonary alveolar proteinosis due to MARS deficiency. Last evaluated: 2025-07-03. Review status: criteria provided, single submitter. Criteria: Invitae Variant Classification Sherloc (09022015). Collection method: clinical testing. Allele origin: germline.
Comment: This sequence change replaces glycine, which is neutral and non-polar, with serine, which is neutral and polar, at codon 599 of the MARS protein (p.Gly599Ser). This variant is present in population databases (rs765972233, gnomAD 0.004%). This variant has not been reported in the literature in individuals affected with MARS-related conditions. ClinVar contains an entry for this variant (Variation ID: 1681757). An algorithm developed to predict the effect of missense changes on protein structure and function (PolyPhen-2) suggests that this variant is likely to be disruptive. In summary, the available evidence is currently insufficient to determine the role of this variant in disease. Therefore, it has been classified as a Variant of Uncertain Significance.

Department of Pathology and Laboratory Medicine, Sinai Health System
Classification: Uncertain significance for Charcot-Marie-Tooth disease. Last evaluated: 2021-08-03. Review status: criteria provided, single submitter. Criteria: ACMG Guidelines, 2015. Collection method: research. Allele origin: germline.

Breakthrough Genomics
Classification: Uncertain significance. Review status: criteria provided, single submitter. Criteria: ACMG Guidelines, 2015. Collection method: not provided. Allele origin: germline. Inheritance: Autosomal recessive inheritance. Affected: yes.

NM_004990.4(MARS1):c.1795G>A (p.Gly599Ser)

Gene: MARS1 (methionyl-tRNA synthetase 1; plus strand). Cytogenetic location: 12q13.3.
Variant type: single nucleotide variant.
Coding change: c.1795G>A on transcript NM_004990.4 (MANE Select); coding-DNA position 1795, G replaced by A.
Protein change: p.Gly599Ser; replaces glycine 599 with serine.
Molecular consequence: missense variant.
Genome position (GRCh38, 1-based): chr12:57,512,792, G>A. VCF-style: chr12-57512792-G-A. GRCh37 (hg19) VCF-style: chr12-57906575-G-A.
Other names: c.1795G>A (NM_004990.3); short protein forms G599S.
Identifiers: ClinVar variation 1681757 (VCV001681757.11), dbSNP rs765972233, ClinGen allele CA6650625.